The following is an entry in ClinVar:

ClinVar aggregate classification (germline): Uncertain significance (1 of 4 stars; one submission).

gnomAD v4.1: 1 of 1,612,986 alleles (0.000062%); highest among the groups gnomAD compares: Non-Finnish European, 0.000085%; no homozygotes.

Submission:

GeneDx
Classification: Uncertain significance. Last evaluated: 2021-04-07. Review status: criteria provided, single submitter. Criteria: GeneDx Variant Classification Process June 2021. Collection method: clinical testing. Allele origin: germline. Affected: yes.
Comment: Not observed in large population cohorts (Lek et al., 2016); In silico analysis supports that this missense variant has a deleterious effect on protein structure/function; Has not been previously published as pathogenic or benign to our knowledge

NM_144498.4(OSBPL2):c.518C>T (p.Ser173Leu)

Gene: OSBPL2 (oxysterol binding protein like 2; plus strand). Cytogenetic location: 20q13.33.
Variant type: single nucleotide variant.
Coding change: c.518C>T on transcript NM_144498.4 (MANE Select); coding-DNA position 518, C replaced by T.
Protein change: p.Ser173Leu; replaces serine 173 with leucine.
Molecular consequence: missense variant.
Genome position (GRCh38, 1-based): chr20:62,279,183, C>T. VCF-style: chr20-62279183-C-T. GRCh37 (hg19) VCF-style: chr20-60854239-C-T.
Other names: c.242C>T, p.Ser81Leu (NM_001278649.3, NM_001363878.2); c.482C>T, p.Ser161Leu (NM_014835.5); short protein forms S161L, S173L, S81L.
Identifiers: ClinVar variation 1314527 (VCV001314527.2), dbSNP rs2145962492, ClinGen allele CA409542232.
Genomic context (GRCh38, chr20:62,279,183, plus strand): 5'-TTAATGTGTCTCTCTTTTTTATTCTTTGACCTAGGGAAGATTTAGGATTCAGATTTATAT[C>T]GGAACAGGTCAGTCACCACCCCCCCATCAGTGCGTTCCACTCGGAAGGTCTCAACCATGA-3'
Protein context (NP_653081.1, residues 163-183): IREDLGFRFI[Ser173Leu]EQVSHHPPIS